The following is an entry in ClinVar:

ClinVar aggregate classification (germline): Likely benign. Review status: criteria provided, single submitter (1 of 4 stars). 2 submissions from 2 submitters: Likely benign (1). 1 of the submissions does not count toward it. Last evaluated 2024-10-16.

Conditions:
ORC6-related disorder. Also called: ORC6-related condition.

Allele frequency attached by ClinVar (database versions not stated): gnomAD exomes 0.00002; gnomAD 0.00005; TOPMed 0.00005.
gnomAD v4.1: 39 of 1,613,824 alleles (0.0024%); highest among the groups gnomAD compares: Non-Finnish European, 0.0031%; no homozygotes.

Submissions (2):

Labcorp Genetics (formerly Invitae), Labcorp
Classification: Likely benign. Last evaluated: 2024-10-16. Review status: criteria provided, single submitter. Criteria: Invitae Variant Classification Sherloc (09022015). Collection method: clinical testing. Allele origin: germline.

PreventionGenetics, part of Exact Sciences
Classification: Likely benign for ORC6-related condition. Last evaluated: 2019-05-14. Review status: no assertion criteria provided. Collection method: clinical testing. Allele origin: germline. Not counted in ClinVar's aggregate classification.
Comment: This variant is classified as likely benign based on ACMG/AMP sequence variant interpretation guidelines (Richards et al. 2015 PMID: 25741868, with internal and published modifications).

NM_014321.4(ORC6):c.507A>G (p.Lys169=)

Gene: ORC6 (origin recognition complex subunit 6; plus strand). Cytogenetic location: 16q11.2.
Variant type: single nucleotide variant.
Coding change: c.507A>G on transcript NM_014321.4 (MANE Select); coding-DNA position 507, A replaced by G.
Protein change: p.Lys169=; no amino-acid change (lysine 169 retained).
Molecular consequence: synonymous variant. On other transcripts: non-coding transcript variant (1).
Genome position (GRCh38, 1-based): chr16:46,695,619, A>G. VCF-style: chr16-46695619-A-G. GRCh37 (hg19) VCF-style: chr16-46729531-A-G.
Other names: c.507A>G (NM_014321.3).
Identifiers: ClinVar variation 1982717 (VCV001982717.6), dbSNP rs947702982, ClinGen allele CA280192279.
Genomic context (GRCh38, chr16:46,695,619, plus strand): 5'-TAGGATTCTAAAGCTGAAAGTGGATAAAAACAAAATGGTAGCCACATCCGGTGTAAAAAA[A>G]GCTATATTTGATCGACTGTGTAAACAACTAGAGAAGATTGGACAGCAGGTCGACAGTAAG-3'
Protein context (NP_055136.1, residues 159-179): NKMVATSGVK[Lys169=]AIFDRLCKQL